The following is an entry in ClinVar:

ClinVar aggregate classification (germline): Likely benign. Review status: criteria provided, multiple submitters, no conflicts (2 of 4 stars). 2 submissions from 2 submitters: Likely benign (2). Last evaluated 2026-08-01.

Allele frequency attached by ClinVar (database versions not stated): gnomAD exomes below 0.00001; gnomAD 0.00001; TOPMed 0.00001.
gnomAD v4.1: 17 of 1,537,498 alleles (0.0011%); highest among the groups gnomAD compares: Admixed American, 0.0041%; no homozygotes.

Submissions (2):

CeGaT Center for Human Genetics Tuebingen
Classification: Likely benign. Last evaluated: 2026-08-01. Review status: criteria provided, single submitter. Criteria: CeGaT Center For Human Genetics Tuebingen Variant Classification Criteria Version 2. Collection method: clinical testing. Allele origin: germline. Affected: yes. Observed: 2 variant alleles.
Comment: IRF2BPL: BP4, BP7

Blueprint Genetics
Classification: Likely benign. Last evaluated: 2024-05-16. Review status: criteria provided, single submitter. Criteria: ACMG Guidelines, 2015. Collection method: clinical testing. Allele origin: germline.

NM_024496.4(IRF2BPL):c.1494C>G (p.Pro498=)

Gene: IRF2BPL (interferon regulatory factor 2 binding protein like; minus strand). Cytogenetic location: 14q24.3.
Variant type: single nucleotide variant.
Coding change: c.1494C>G on transcript NM_024496.4 (MANE Select); coding-DNA position 1494, C replaced by G.
Protein change: p.Pro498=; no amino-acid change (proline 498 retained).
Molecular consequence: synonymous variant.
Genome position (GRCh38, 1-based): chr14:77,026,299, G>C on the plus strand (C>G on the coding strand, the complement: IRF2BPL is on the minus strand). VCF-style: chr14-77026299-G-C. GRCh37 (hg19) VCF-style: chr14-77492642-G-C.
Identifiers: ClinVar variation 2644385 (VCV002644385.25), dbSNP rs1001341739, ClinGen allele CA263778068.
Genomic context (GRCh38, chr14:77,026,299, plus strand): 5'-GGGGGCGCGGCTCAGACTCACCAGAGCAGTGGGCAGCATGGGACAGCTGGCGTCCAGGTA[G>C]GGCTGGGGCAGCATGTCGGCGCCGGGCACGCCCTCCTTGAAGAAGCGCACGGCTTCGGGG-3'
Protein context (NP_078772.1, residues 488-508): GVPGADMLPQ[Pro498=]YLDASCPMLP